The following is an entry in ClinVar:

ClinVar aggregate classification (germline): Uncertain significance (0 of 4 stars; one submission).

Conditions:
PLXNA2-related disorder. Also called: PLXNA2-related condition.

gnomAD v4.1: 17 of 1,614,052 alleles (0.0011%); highest among the groups gnomAD compares: Non-Finnish European, 0.0014%; no homozygotes.

Submission:

PreventionGenetics, part of Exact Sciences
Classification: Uncertain significance for PLXNA2-related condition. Last evaluated: 2024-09-05. Review status: no assertion criteria provided. Collection method: clinical testing. Allele origin: germline.
Comment: The PLXNA2 c.466G>C variant is predicted to result in the amino acid substitution p.Glu156Gln. To our knowledge, this variant has not been reported in the literature. This variant is reported in 0.0015% of alleles in individuals of European (Non-Finnish) descent in gnomAD. At this time, the clinical significance of this variant is uncertain due to the absence of conclusive functional and genetic evidence.

NM_025179.4(PLXNA2):c.466G>C (p.Glu156Gln)

Gene: PLXNA2 (plexin A2; minus strand). Cytogenetic location: 1q32.2.
Variant type: single nucleotide variant.
Coding change: c.466G>C on transcript NM_025179.4 (MANE Select); coding-DNA position 466, G replaced by C.
Protein change: p.Glu156Gln; replaces glutamic acid 156 with glutamine.
Molecular consequence: missense variant.
Genome position (GRCh38, 1-based): chr1:208,217,457, C>G on the plus strand (G>C on the coding strand, the complement: PLXNA2 is on the minus strand). VCF-style: chr1-208217457-C-G. GRCh37 (hg19) VCF-style: chr1-208390802-C-G.
Other names: short protein forms E156Q.
Identifiers: ClinVar variation 3355934 (VCV003355934.1).